The following is an entry in ClinVar:

ClinVar aggregate classification (germline): Benign/Likely benign. Review status: criteria provided, multiple submitters, no conflicts (2 of 4 stars). 3 submissions from 3 submitters: Benign (2); Likely benign (1). Last evaluated 2025-09-04.

Allele frequency attached by ClinVar (database versions not stated): gnomAD exomes 0.00038 and 0.00188; 1000 Genomes Project 0.00040; 1000 Genomes Project 30x 0.00047; gnomAD 0.00049 and 0.00050; TOPMed 0.00108; ExAC 0.00201.
gnomAD v4.1: 611 of 1,609,076 alleles (0.038%); highest among the groups gnomAD compares: Admixed American, 0.97%; 5 homozygotes.

Submissions (3):

Labcorp Genetics (formerly Invitae), Labcorp
Classification: Benign. Last evaluated: 2025-09-04. Review status: criteria provided, single submitter. Criteria: Invitae Variant Classification Sherloc (09022015). Collection method: clinical testing. Allele origin: germline.

CeGaT Center for Human Genetics Tuebingen
Classification: Likely benign. Last evaluated: 2024-10-01. Review status: criteria provided, single submitter. Criteria: CeGaT Center For Human Genetics Tuebingen Variant Classification Criteria Version 2. Collection method: clinical testing. Allele origin: germline. Affected: yes. Observed: 1 variant allele.
Comment: ASB10: BP4, BS1

Breakthrough Genomics
Classification: Benign. Review status: criteria provided, single submitter. Criteria: ACMG Guidelines, 2015. Collection method: not provided. Allele origin: germline. Inheritance: Autosomal dominant inheritance. Affected: yes.

NM_001142459.2(ASB10):c.392T>C (p.Val131Ala)

Gene: ASB10 (ankyrin repeat and SOCS box containing 10; minus strand). Cytogenetic location: 7q36.1.
Variant type: single nucleotide variant.
Coding change: c.392T>C on transcript NM_001142459.2 (MANE Select); coding-DNA position 392, T replaced by C.
Protein change: p.Val131Ala; replaces valine 131 with alanine.
Molecular consequence: missense variant.
Genome position (GRCh38, 1-based): chr7:151,186,584, A>G on the plus strand (T>C on the coding strand, the complement: ASB10 is on the minus strand). VCF-style: chr7-151186584-A-G. GRCh37 (hg19) VCF-style: chr7-150883671-A-G.
Other names: c.392T>C, p.Val131Ala (NM_001142460.1); c.347T>C, p.Val116Ala (NM_080871.4); short protein forms V131A, V116A.
Identifiers: ClinVar variation 727784 (VCV000727784.22), dbSNP rs201535252, ClinGen allele CA4573899.
Genomic context (GRCh38, chr7:151,186,584, plus strand): 5'-GCGGTGCGGCCCCCAGGGGCACTGTCTGGCCTTGCTCGCCGCCTCAGCAGCAGCCGCAGG[A>G]CTTCCGTGTGGCCACGGCTGGCTGCCACATGCAGTGGGGTGGTCAGCTCCTCTTCGTATG-3'
Protein context (NP_001135931.2, residues 121-141): HVAASRGHTE[Val131Ala]LRLLLRRRAR